The following is an entry in ClinVar:

ClinVar aggregate classification (germline): Uncertain significance (1 of 4 stars; one submission).

Allele frequency attached by ClinVar (database versions not stated): TOPMed below 0.00001; ExAC 0.00001; gnomAD 0.00002; gnomAD exomes below 0.00001.
gnomAD v4.1: 3 of 1,613,940 alleles (0.00019%); highest among the groups gnomAD compares: Non-Finnish European, 0.00025%; no homozygotes.

Submission:

GeneDx
Classification: Uncertain significance. Last evaluated: 2020-10-20. Review status: criteria provided, single submitter. Criteria: GeneDx Variant Classification Process June 2021. Collection method: clinical testing. Allele origin: germline. Affected: yes.
Comment: Not observed at a significant frequency in large population cohorts (Lek et al., 2016); In silico analysis supports that this missense variant does not alter protein structure/function; Has not been previously published as pathogenic or benign to our knowledge

NM_013352.4(DSE):c.1582G>A (p.Ala528Thr)

Gene: DSE (dermatan sulfate epimerase; plus strand). Cytogenetic location: 6q22.1.
Variant type: single nucleotide variant.
Coding change: c.1582G>A on transcript NM_013352.4 (MANE Select); coding-DNA position 1582, G replaced by A.
Protein change: p.Ala528Thr; replaces alanine 528 with threonine.
Molecular consequence: missense variant. On other transcripts: 3 prime UTR variant (2), non-coding transcript variant (1).
Genome position (GRCh38, 1-based): chr6:116,436,050, G>A. VCF-style: chr6-116436050-G-A. GRCh37 (hg19) VCF-style: chr6-116757213-G-A.
Other names: c.1582G>A, p.Ala528Thr (NM_001080976.3, NM_001322937.2, NM_001322938.2); c.1639G>A, p.Ala547Thr (NM_001322939.2); c.1021G>A, p.Ala341Thr (NM_001322940.2, NM_001322941.2); c.*447G>A (NM_001322943.2, NM_001322944.2); c.583G>A, p.Ala195Thr (NM_001374520.1); c.547G>A, p.Ala183Thr (NM_001374521.1); short protein forms A183T, A195T, A341T, A528T, A547T.
Identifiers: ClinVar variation 1205788 (VCV001205788.3), dbSNP rs773958566, ClinGen allele CA3969680.